The following is an entry in ClinVar:

NM_015030.2(FRYL):c.4519_4520dup (p.Ser1507fs)

Gene: FRYL (FRY like transcription coactivator; minus strand). Cytogenetic location: 4p11.
Variant type: Microsatellite.
Coding change: c.4519_4520dup on transcript NM_015030.2 (MANE Select); coding-DNA positions 4519 to 4520, 2 bases duplicated (AG; older notation c.4519_4520dupAG).
Protein change: p.Ser1507fs; shifts the reading frame from serine 1507.
Molecular consequence: frameshift variant.
Genome position (GRCh38, 1-based): chr4:48,551,494-48,551,495, CT duplicated on the plus strand (AG on the coding strand, the reverse complement: FRYL is on the minus strand); duplicating any 2 consecutive bases within chr4:48,551,494-48,551,499 gives the same sequence; the c. name uses the placement nearest the transcript's 3' end. VCF-style (leftmost placement, unchanged base first): chr4-48551493-C-CCT. GRCh37 (hg19) VCF-style: chr4-48553510-C-CCT.
Other names: short protein forms S1507fs.
Identifiers: ClinVar variation 4855813 (VCV004855813.1).

ClinVar aggregate classification (germline): Likely pathogenic (1 of 4 stars; one submission).

Conditions:
Pan-Chung-Bellen syndrome. Identifiers: MedGen C5975547, MONDO:0975953, OMIM 621049.

Submission:

3billion
Classification: Likely pathogenic for Pan-Chung-Bellen syndrome. Last evaluated: 2026-01-08. Review status: criteria provided, single submitter. Criteria: ACMG Guidelines, 2015. Collection method: clinical testing. Allele origin: germline. Affected: yes.
Comment: The variant is not observed in the gnomAD v4.1.0 dataset. Predicted Consequence/Location: Frameshift: predicted to result in a loss or disruption of normal protein function through nonsense-mediated decay (NMD) or protein truncation. Multiple pathogenic variants are reported downstream of the variant. Therefore, this variant is classified as Likely pathogenic according to the recommendation of ACMG/AMP guideline.